The following is an entry in ClinVar:

NM_201384.3(PLEC):c.7686C>T (p.Ala2562=)

Gene: PLEC (plectin; minus strand). Cytogenetic location: 8q24.3.
Variant type: single nucleotide variant.
Coding change: c.7686C>T on transcript NM_201384.3 (MANE Select); coding-DNA position 7686, C replaced by T.
Protein change: p.Ala2562=; no amino-acid change (alanine 2562 retained).
Molecular consequence: synonymous variant.
Genome position (GRCh38, 1-based): chr8:143,922,135, G>A on the plus strand (C>T on the coding strand, the complement: PLEC is on the minus strand). VCF-style: chr8-143922135-G-A. GRCh37 (hg19) VCF-style: chr8-144996303-G-A.
Other names: c.7767C>T, p.Ala2589= (NM_000445.5); c.7644C>T, p.Ala2548= (NM_201378.4); c.7620C>T, p.Ala2540= (NM_201379.3); c.8097C>T, p.Ala2699= (NM_201380.4); c.7590C>T, p.Ala2530= (NM_201381.3); c.7686C>T, p.Ala2562= (NM_201382.4); c.7698C>T, p.Ala2566= (NM_201383.3).
Identifiers: ClinVar variation 471652 (VCV000471652.15), dbSNP rs534269714, ClinGen allele CA4925545.

ClinVar aggregate classification (germline): Conflicting classifications of pathogenicity. Review status: criteria provided, conflicting classifications (1 of 4 stars). 3 submissions from 3 submitters: Uncertain significance (1); Likely benign (1). 1 of the submissions does not count toward it. Last evaluated 2025-11-12.

Conditions:
Epidermolysis bullosa simplex 5C, with pyloric atresia (EBS5C). Also called: PLEC1-Related Epidermolysis Bullosa with Pyloric Atresia; PLEC-Related Epidermolysis Bullosa with Pyloric Atresia; Epidermolysis bullosa simplex with pyloric atresia. Identifiers: Orphanet 158684, MedGen C2677349, MONDO:0012807, OMIM 612138.
Epidermolysis bullosa simplex 5B, with muscular dystrophy (EBS5B). Also called: Epidermolysis bullosa simplex with muscular dystrophy; EPIDERMOLYSIS BULLOSA SIMPLEX AND LIMB-GIRDLE MUSCULAR DYSTROPHY. Identifiers: Orphanet 257, MedGen C2931072, MONDO:0009181, OMIM 226670.
Autosomal recessive limb-girdle muscular dystrophy type 2Q (LGMDR17). Also called: MUSCULAR DYSTROPHY, LIMB-GIRDLE, AUTOSOMAL RECESSIVE 17. Identifiers: Orphanet 254361, MedGen C3150989, MONDO:0013390, OMIM 613723.
Epidermolysis bullosa simplex with nail dystrophy (EBS5D). Identifiers: MedGen C4225309, MONDO:0014661, OMIM 616487.
Epidermolysis bullosa simplex, Ogna type (EBS5A). Also called: Pidermolysis bullosa simplex 5A, Ogna type; EPIDERMOLYSIS BULLOSA SIMPLEX 5A, OGNA TYPE. Identifiers: Orphanet 79401, MedGen C0432317, MONDO:0007555, OMIM 131950.
PLEC-related disorder. Also called: PLEC-related condition; PLEC-related disorders.

Allele frequency attached by ClinVar (database versions not stated): gnomAD exomes 0.00004 and 0.00018; ExAC 0.00013; gnomAD 0.00022 and 0.00021; TOPMed 0.00025; 1000 Genomes Project 0.00040; 1000 Genomes Project 30x 0.00047.
gnomAD v4.1: 88 of 1,540,906 alleles (0.0057%); highest among the groups gnomAD compares: Admixed American, 0.11%; no homozygotes.

Submissions (3):

Labcorp Genetics (formerly Invitae), Labcorp
Classification: Likely benign for Autosomal recessive limb-girdle muscular dystrophy type 2Q; Epidermolysis bullosa simplex, Ogna type; Epidermolysis bullosa simplex with nail dystrophy; Epidermolysis bullosa simplex 5C, with pyloric atresia; Epidermolysis bullosa simplex 5B, with muscular dystrophy. Last evaluated: 2025-11-12. Review status: criteria provided, single submitter. Criteria: Invitae Variant Classification Sherloc (09022015). Collection method: clinical testing. Allele origin: germline.

Eurofins Ntd Llc (ga)
Classification: Uncertain significance. Last evaluated: 2018-02-14. Review status: criteria provided, single submitter. Criteria: EGL ClinVar v180209 classification definitions. Collection method: clinical testing. Allele origin: germline. Observed: 1 variant allele, 1 heterozygote.

PreventionGenetics, part of Exact Sciences
Classification: Likely benign for PLEC-related condition. Last evaluated: 2019-10-28. Review status: no assertion criteria provided. Collection method: clinical testing. Allele origin: germline. Not counted in ClinVar's aggregate classification.
Comment: This variant is classified as likely benign based on ACMG/AMP sequence variant interpretation guidelines (Richards et al. 2015 PMID: 25741868, with internal and published modifications).